The following is an entry in ClinVar:

NM_001039213.4(CEACAM16):c.517G>A (p.Val173Ile)

Genes: CEACAM16 (CEA cell adhesion molecule 16, tectorial membrane component; plus strand), CEACAM16-AS1 (CEACAM16, CEACAM19 and PVR antisense RNA 1; minus strand). Cytogenetic location: 19q13.32.
Variant type: single nucleotide variant.
Coding change: c.517G>A on transcript NM_001039213.4 (MANE Select); coding-DNA position 517, G replaced by A.
Protein change: p.Val173Ile; replaces valine 173 with isoleucine.
Molecular consequence: missense variant.
Genome position (GRCh38, 1-based): chr19:44,704,152, G>A. VCF-style: chr19-44704152-G-A. GRCh37 (hg19) VCF-style: chr19-45207422-G-A.
Other names: short protein forms V173I.
Identifiers: ClinVar variation 930023 (VCV000930023.5), dbSNP rs756280582, ClinGen allele CA9503082.

ClinVar aggregate classification (germline): Conflicting classifications of pathogenicity. Review status: criteria provided, conflicting classifications (1 of 4 stars). 2 submissions from 2 submitters: Uncertain significance (1); Likely benign (1). Last evaluated 2025-12-15.

Allele frequency attached by ClinVar (database versions not stated): gnomAD exomes 0.00001 and 0.00002; TOPMed 0.00001; ExAC 0.00007.
gnomAD v4.1: 17 of 1,589,808 alleles (0.0011%); highest among the groups gnomAD compares: Middle Eastern, 0.018%; no homozygotes.

Submissions (2):

Labcorp Genetics (formerly Invitae), Labcorp
Classification: Uncertain significance. Last evaluated: 2025-12-15. Review status: criteria provided, single submitter. Criteria: Invitae Variant Classification Sherloc (09022015). Collection method: clinical testing. Allele origin: germline.
Comment: This sequence change replaces valine, which is neutral and non-polar, with isoleucine, which is neutral and non-polar, at codon 173 of the CEACAM16 protein (p.Val173Ile). The frequency data for this variant in the population databases is considered unreliable, as metrics indicate poor data quality at this position in the gnomAD database. This variant has not been reported in the literature in individuals affected with CEACAM16-related conditions. ClinVar contains an entry for this variant (Variation ID: 930023). Invitae Evidence Modeling of protein sequence and biophysical properties (such as structural, functional, and spatial information, amino acid conservation, physicochemical variation, residue mobility, and thermodynamic stability) indicates that this missense variant is not expected to disrupt CEACAM16 protein function with a negative predictive value of 80%. In summary, the available evidence is currently insufficient to determine the role of this variant in disease. Therefore, it has been classified as a Variant of Uncertain Significance.

Laboratory for Molecular Medicine, Mass General Brigham Personalized Medicine
Classification: Likely benign. Last evaluated: 2020-03-04. Review status: criteria provided, single submitter. Criteria: LMM Criteria. Collection method: clinical testing. Allele origin: germline. Observed: 1 variant allele.
Comment: The p.Val173Ile variant in CEACAM16 is classified as likely benign due to a lack of conservation across species. More than 4 mammals (bushbaby, Chinese tree shrew, rabbit and pika) carry an Isoleucine (Ile) at this position despite high nearby amino acid conservation. In addition, computational prediction tools predict that this variant does not impact the protein. It was absent from large population studies. ACMG/AMP Criteria applied: PM2, BP4_Strong.